The following is an entry in ClinVar:

ClinVar aggregate classification (germline): Conflicting classifications of pathogenicity. Review status: criteria provided, conflicting classifications (1 of 4 stars). 9 submissions from 9 submitters: Uncertain significance (7); Likely benign (1). 1 of the submissions does not count toward it. Last evaluated 2026-02-01.

Conditions:
Hereditary breast ovarian cancer syndrome. Also called: Hereditary breast and ovarian cancer syndrome; Hereditary breast and ovarian cancer; Hereditary breast and ovarian cancer syndrome (HBOC); Breast and ovarian cancer; Hereditary breast and/or ovarian cancer syndrome; BRCA1- and BRCA2-Associated Hereditary Breast and Ovarian Cancer. Identifiers: Orphanet 145, MedGen C0677776, MeSH D061325, MONDO:0003582. Disease mechanism: loss of function.
Breast-ovarian cancer, familial, susceptibility to, 2 (BROVCA2). Also called: BRCA2 Hereditary Breast and Ovarian Cancer. Identifiers: Orphanet 145, MedGen C2675520, MONDO:0012933, OMIM 612555. Disease mechanism: loss of function.
Hereditary cancer-predisposing syndrome. Also called: Neoplastic Syndromes, Hereditary; Tumor predisposition; Hereditary Cancer Syndrome; Hereditary neoplastic syndrome. Identifiers: Orphanet 140162, MedGen C0027672, MeSH D009386, MONDO:0015356.

Allele frequency attached by ClinVar (database versions not stated): ExAC 0.00001; gnomAD 0.00001; gnomAD exomes 0.00001; TOPMed 0.00001.
gnomAD v4.1: 5 of 1,613,444 alleles (0.00031%); highest among the groups gnomAD compares: Admixed American, 0.0083%; no homozygotes.

Submissions (9):

Labcorp Genetics (formerly Invitae), Labcorp
Classification: Uncertain significance for Hereditary breast ovarian cancer syndrome. Last evaluated: 2026-02-01. Review status: criteria provided, single submitter. Criteria: Invitae Variant Classification Sherloc (09022015). Collection method: clinical testing. Allele origin: germline.
Comment: This sequence change replaces asparagine, which is neutral and polar, with isoleucine, which is neutral and non-polar, at codon 1212 of the BRCA2 protein (p.Asn1212Ile). This variant is present in population databases (rs80358609, gnomAD 0.01%). This variant has not been reported in the literature in individuals affected with BRCA2-related conditions. ClinVar contains an entry for this variant (Variation ID: 51495). Invitae Evidence Modeling of protein sequence and biophysical properties (such as structural, functional, and spatial information, amino acid conservation, physicochemical variation, residue mobility, and thermodynamic stability) indicates that this missense variant is not expected to disrupt BRCA2 protein function with a negative predictive value of 95%. In summary, the available evidence is currently insufficient to determine the role of this variant in disease. Therefore, it has been classified as a Variant of Uncertain Significance.

Ambry Genetics
Classification: Uncertain significance for Hereditary cancer-predisposing syndrome. Last evaluated: 2025-10-27. Review status: criteria provided, single submitter. Criteria: Ambry Variant Classification Scheme 2023. Collection method: clinical testing. Allele origin: germline.
Comment: The p.N1212I variant (also known as c.3635A>T), located in coding exon 10 of the BRCA2 gene, results from an A to T substitution at nucleotide position 3635. The asparagine at codon 1212 is replaced by isoleucine, an amino acid with dissimilar properties. This amino acid position is not well conserved in available vertebrate species. In addition, the in silico prediction for this alteration is inconclusive. Based on the available evidence, the clinical significance of this variant remains unclear.

Color Diagnostics, LLC DBA Color Health
Classification: Uncertain significance for Hereditary cancer-predisposing syndrome. Last evaluated: 2024-06-14. Review status: criteria provided, single submitter. Criteria: ACMG Guidelines, 2015. Collection method: clinical testing. Allele origin: germline.
Comment: This missense variant replaces asparagine with isoleucine at codon 1212 of the BRCA2 protein. Computational prediction suggests that this variant may not impact protein structure and function (internally defined REVEL score threshold <= 0.5, PMID: 27666373). To our knowledge, functional studies have not been reported for this variant. In a large breast cancer case-control study, this variant has been reported in 1/60466 cases and 0/53461 unaffected controls (PMID: 33471991). This variant has been identified in 4/282198 chromosomes in the general population by the Genome Aggregation Database (gnomAD). The available evidence is insufficient to determine the role of this variant in disease conclusively. Therefore, this variant is classified as a Variant of Uncertain Significance.

All of Us Research Program, National Institutes of Health
Classification: Uncertain significance for Breast-ovarian cancer, familial, susceptibility to, 2. Last evaluated: 2023-05-15. Review status: criteria provided, single submitter. Criteria: ACMG Guidelines, 2015. Collection method: clinical testing. Allele origin: germline. Inheritance: Autosomal dominant inheritance. Observed: 1 variant allele, 1 heterozygote.
Comment: This study involves interpretation of variants in research participants for the purpose of population health screening. Participant phenotype was not available at the time of variant classification. Additional details can be found in publication PMID: 35346344, PMCID: PMC8962531

Quest Diagnostics Nichols Institute San Juan Capistrano
Classification: Uncertain significance. Last evaluated: 2023-05-01. Review status: criteria provided, single submitter. Criteria: Quest Diagnostics criteria. Collection method: clinical testing. Allele origin: unknown.
Comment: The frequency of this variant in the general population, 0.00011 (4/35360 chromosomes), is uninformative in assessment of its pathogenicity. In a large-scale breast cancer association study, the variant was observed in an individual with breast cancer (PMID: 33471991 (2021)). Analysis of this variant using bioinformatics tools for the prediction of the effect of amino acid changes on protein structure and function yielded conflicting predictions that this variant is benign or damaging. Based on the available information, we are unable to determine the clinical significance of this variant.

University of Washington Department of Laboratory Medicine, University of Washington
Classification: Likely benign for Hereditary cancer-predisposing syndrome. Last evaluated: 2023-03-23. Review status: criteria provided, single submitter. Criteria: Dines et al. (Genet Med. 2020). Collection method: curation. Allele origin: germline.
Comment: Missense variant in a coldspot region where missense variants are very unlikely to be pathogenic (PMID:31911673).

BRCA2 exon 11 coldspot. Reclassification based on statistical prior probability.

PreventionGenetics, part of Exact Sciences
Classification: Uncertain significance. Last evaluated: 2017-10-26. Review status: criteria provided, single submitter. Criteria: ACMG Guidelines, 2015. Collection method: clinical testing. Allele origin: germline.

Women's Health and Genetics/Laboratory Corporation of America, LabCorp
Classification: Uncertain significance. Last evaluated: 2017-03-07. Review status: criteria provided, single submitter. Criteria: LabCorp Variant Classification Summary - May 2015. Collection method: clinical testing. Allele origin: germline.
Comment: Variant summary: The BRCA2 c.3635A>T (p.Asn1212Ile) variant causes a missense change involving the alteration of a non-conserved nucleotide. 4/5 in silico tools predict a damaging outcome for this variant. This variant was found in 1/120932 control chromosomes at a frequency of 0.0000083, which does not exceed the estimated maximal expected allele frequency of a pathogenic BRCA2 variant (0.0007503). Multiple clinical diagnostic laboratories/reputable databases classified this variant as uncertain significance. The variant of interest has not, to our knowledge, been reported in affected individuals via publications; nor evaluated for functional impact by in vivo/vitro studies. Because of the absence of clinical information and the lack of functional studies, the variant is classified as a variant of uncertain significance (VUS) until additional information becomes available.

Breast Cancer Information Core (BIC) (BRCA2)
Classification: Uncertain significance for Breast-ovarian cancer, familial 2. Last evaluated: 2004-02-20. Review status: no assertion criteria provided. Collection method: clinical testing. Allele origin: germline. Affected: yes. Observed: 1 variant allele. Not counted in ClinVar's aggregate classification.

Literature cited by the submitters: PubMed 33471991 (cited by Color Diagnostics, LLC DBA Color Health and Quest Diagnostics Nichols Institute San Juan Capistrano); PubMed 31911673 (cited by Quest Diagnostics Nichols Institute San Juan Capistrano).

NM_000059.4(BRCA2):c.3635A>T (p.Asn1212Ile)

Gene: BRCA2 (BRCA2 DNA repair associated; plus strand). Cytogenetic location: 13q13.1.
Variant type: single nucleotide variant.
Coding change: c.3635A>T on transcript NM_000059.4 (MANE Select); coding-DNA position 3635, A replaced by T.
Protein change: p.Asn1212Ile; replaces asparagine 1212 with isoleucine.
Molecular consequence: missense variant.
Genome position (GRCh38, 1-based): chr13:32,337,990, A>T. VCF-style: chr13-32337990-A-T. GRCh37 (hg19) VCF-style: chr13-32912127-A-T.
Other names: short protein forms N1212I.
Identifiers: ClinVar variation 51495 (VCV000051495.26), dbSNP rs80358609, ClinGen allele CA018434.
Genomic context (GRCh38, chr13:32,337,990, plus strand): 5'-TTGCTGGCCTGTTGAAAAATGACTGTAACAAAAGTGCTTCTGGTTATTTAACAGATGAAA[A>T]TGAAGTGGGGTTTAGGGGCTTTTATTCTGCTCATGGCACAAAACTGAATGTTTCTACTGA-3'
Protein context (NP_000050.3, residues 1202-1222): KSASGYLTDE[Asn1212Ile]EVGFRGFYSA